The following is an entry in ClinVar:

NM_002764.4(PRPS1):c.123-16dup

Gene: PRPS1 (phosphoribosyl pyrophosphate synthetase 1; plus strand). Cytogenetic location: Xq22.3.
Variant type: Duplication.
Coding change: c.123-16dup on transcript NM_002764.4 (MANE Select); 16 bases into the intron before coding-DNA position 123, one base duplicated (T; older notation c.123-16dupT).
Molecular consequence: intron variant.
Genome position (GRCh38, 1-based): chrX:107,639,279, T duplicated; the last of 3 consecutive T bases (chrX:107,639,277-107,639,279); duplicating any one gives the same sequence. VCF-style (leftmost placement, unchanged base first): chrX-107639276-C-CT. GRCh37 (hg19) VCF-style: chrX-106882506-C-CT.
Other names: c.-82-5898dup (NM_001204402.2); c.123-16dupT (NM_002764.3).
Identifiers: ClinVar variation 422624 (VCV000422624.10), dbSNP rs750392051, ClinGen allele CA10485593.
Genomic context (GRCh38, chrX:107,639,276, plus strand): 5'-ATGTGGAACCTATGGATATGGAGGGCTGACAGTACAGTGGTTTAAAATCTATTTCATGTT[C>CT]TTTCTTTCCTCATTGTAGTGTGGAAATTGGTGAAAGTGTACGTGGAGAGGATGTCTACAT-3'

ClinVar aggregate classification (germline): Benign/Likely benign. Review status: criteria provided, multiple submitters, no conflicts (2 of 4 stars). 3 submissions from 3 submitters: Benign (1); Likely benign (2). Last evaluated 2025-05-26.

Conditions:
Arts syndrome (ARTS). Also called: MENTAL RETARDATION, X-LINKED, SYNDROMIC 18; MENTAL RETARDATION, X-LINKED, SYNDROMIC, ARTS TYPE; ARTS SYNDROME AND PHOSPHORIBOSYLPYROPHOSPHATE SYNTHETASE SUPERACTIVITY. Identifiers: Orphanet 1187, MedGen C0796028, MONDO:0010533, OMIM 301835.
Hearing loss, X-linked 1 (DFNX1). Also called: DFNX1 Nonsyndromic Hearing Loss and Deafness; DEAFNESS, X-LINKED 1; DEAFNESS, X-LINKED 2, SENSORINEURAL CONGENITAL; DFNX1 Nonsyndromic Sensorineural Hearing Loss (DFN2). Identifiers: Orphanet 90625, MedGen C1844677, MONDO:0010577, OMIM 304500.
Charcot-Marie-Tooth disease X-linked recessive 5 (CMTX5). Also called: OPTIC ATROPHY, POLYNEUROPATHY, AND DEAFNESS; ROSENBERG-CHUTORIAN SYNDROME; Charcot-Marie-Tooth Neuropathy X Type 5 (CMTX5); Optic atrophy, neural deafness, and distal neurogenic amyotrophy. Identifiers: Orphanet 99014, MedGen C1839566, MONDO:0010699, OMIM 311070.
Phosphoribosylpyrophosphate synthetase superactivity. Identifiers: Orphanet 3222, MedGen C1970827, MONDO:0010395, OMIM 300661.
Charcot-Marie-Tooth Neuropathy X. Identifiers: MedGen CN118851.

Submissions (3):

Labcorp Genetics (formerly Invitae), Labcorp
Classification: Benign for Charcot-Marie-Tooth Neuropathy X. Last evaluated: 2025-05-26. Review status: criteria provided, single submitter. Criteria: Invitae Variant Classification Sherloc (09022015). Collection method: clinical testing. Allele origin: germline.

Fulgent Genetics
Classification: Likely benign for Phosphoribosylpyrophosphate synthetase superactivity; Arts syndrome; Hearing loss, X-linked 1; Charcot-Marie-Tooth disease X-linked recessive 5. Last evaluated: 2022-02-03. Review status: criteria provided, single submitter. Criteria: ACMG Guidelines, 2015. Collection method: clinical testing. Allele origin: unknown.

GeneDx
Classification: Likely benign. Last evaluated: 2016-11-02. Review status: criteria provided, single submitter. Criteria: GeneDx Variant Classification (06012015). Collection method: clinical testing. Allele origin: germline. Affected: yes.
Comment: This variant is considered likely benign or benign based on one or more of the following criteria: it is a conservative change, it occurs at a poorly conserved position in the protein, it is predicted to be benign by multiple in silico algorithms, and/or has population frequency not consistent with disease.